The following is an entry in ClinVar:

NM_012431.3(SEMA3E):c.1220G>A (p.Ser407Asn)

Gene: SEMA3E (semaphorin 3E; minus strand). Cytogenetic location: 7q21.11.
Variant type: single nucleotide variant.
Coding change: c.1220G>A on transcript NM_012431.3 (MANE Select); coding-DNA position 1220, G replaced by A.
Protein change: p.Ser407Asn; replaces serine 407 with asparagine.
Molecular consequence: missense variant.
Genome position (GRCh38, 1-based): chr7:83,400,174, C>T on the plus strand (G>A on the coding strand, the complement: SEMA3E is on the minus strand). VCF-style: chr7-83400174-C-T. GRCh37 (hg19) VCF-style: chr7-83029490-C-T.
Other names: c.1040G>A, p.Ser347Asn (NM_001178129.2); short protein forms S347N, S407N.
Identifiers: ClinVar variation 1318586 (VCV001318586.8), dbSNP rs769258588, ClinGen allele CA367927630.
Genomic context (GRCh38, chr7:83,400,174, plus strand): 5'-GTTTTTACCAATATTGGTTTTTTATGGGCAGGTTTTATGGCCTGGTACATTAGTGGATGA[C>T]TTCTTGCAAATCGGATGGCATCATCAGGATAGTCCTTGGTGGTTCCGTATCTCCCTCCAT-3'
Protein context (NP_036563.1, residues 397-417): YPDDAIRFAR[Ser407Asn]HPLMYQAIKP

ClinVar aggregate classification (germline): Conflicting classifications of pathogenicity. Review status: criteria provided, conflicting classifications (1 of 4 stars). 5 submissions from 5 submitters: Uncertain significance (4); Likely benign (1). Last evaluated 2026-02-23.

Conditions:
SEMA3E-related disorder. Also called: SEMA3E-related condition.
CHARGE syndrome (CHARGE). Also called: Hittner Hirsch Kreh syndrome; CHARGE ASSOCIATION--COLOBOMA, HEART ANOMALY, CHOANAL ATRESIA, RETARDATION, GENITAL AND EAR ANOMALIES; Coloboma, heart anomaly, choanal atresia, retardation, genital and ear anomalies; CHARGE association; Hall-Hittner syndrome. Identifiers: Orphanet 138, MedGen C0265354, MONDO:0008965.

Allele frequency attached by ClinVar (database versions not stated): TOPMed below 0.00001.
gnomAD v4.1: 15 of 1,613,932 alleles (0.00093%); highest among the groups gnomAD compares: Non-Finnish European, 0.0013%; no homozygotes.

Submissions (5):

PreventionGenetics, part of Exact Sciences
Classification: Uncertain significance for SEMA3E-related condition. Last evaluated: 2026-02-23. Review status: criteria provided, single submitter. Criteria: ACMG Guidelines, 2015. Collection method: clinical testing. Allele origin: germline.
Comment: The SEMA3E c.1220G>A variant is predicted to result in the amino acid substitution p.Ser407Asn. To our knowledge, this variant has not been reported in the literature or in a large population database (gnomAD), indicating this variant is rare. At this time, the clinical significance of this variant is uncertain due to the absence of conclusive functional and genetic evidence.

Labcorp Genetics (formerly Invitae), Labcorp
Classification: Uncertain significance for CHARGE syndrome. Last evaluated: 2025-10-14. Review status: criteria provided, single submitter. Criteria: Invitae Variant Classification Sherloc (09022015). Collection method: clinical testing. Allele origin: germline.
Comment: This sequence change replaces serine, which is neutral and polar, with asparagine, which is neutral and polar, at codon 407 of the SEMA3E protein (p.Ser407Asn). This variant is not present in population databases (gnomAD no frequency). This variant has not been reported in the literature in individuals affected with SEMA3E-related conditions. ClinVar contains an entry for this variant (Variation ID: 1318586). Invitae Evidence Modeling of protein sequence and biophysical properties (such as structural, functional, and spatial information, amino acid conservation, physicochemical variation, residue mobility, and thermodynamic stability) indicates that this missense variant is not expected to disrupt SEMA3E protein function with a negative predictive value of 80%. In summary, the available evidence is currently insufficient to determine the role of this variant in disease. Therefore, it has been classified as a Variant of Uncertain Significance.

Ambry Genetics
Classification: Uncertain significance. Last evaluated: 2023-10-10. Review status: criteria provided, single submitter. Criteria: Ambry Variant Classification Scheme 2023. Collection method: clinical testing. Allele origin: germline.

Blueprint Genetics
Classification: Likely benign. Last evaluated: 2023-01-13. Review status: criteria provided, single submitter. Criteria: ACMG Guidelines, 2015. Collection method: clinical testing. Allele origin: germline.

GeneDx
Classification: Uncertain significance. Last evaluated: 2019-04-29. Review status: criteria provided, single submitter. Criteria: GeneDx Variant Classification Process June 2021. Collection method: clinical testing. Allele origin: germline. Affected: yes.
Comment: Not observed in large population cohorts (Lek et al., 2016); In silico analysis, which includes protein predictors and evolutionary conservation, supports that this variant does not alter protein structure/function; Has not been previously published as pathogenic or benign to our knowledge